The following is an entry in ClinVar:

ClinVar aggregate classification (germline): Uncertain significance (1 of 4 stars; one submission).

Conditions:
Inborn genetic diseases. Identifiers: MedGen C0950123, MeSH D030342.

Submission:

Ambry Genetics
Classification: Uncertain significance for Inborn genetic diseases. Last evaluated: 2025-08-10. Review status: criteria provided, single submitter. Criteria: Ambry Variant Classification Scheme 2023. Collection method: clinical testing. Allele origin: germline.
Comment: The p.F276S variant (also known as c.827T>C), located in coding exon 7 of the HAX1 gene, results from a T to C substitution at nucleotide position 827. The phenylalanine at codon 276 is replaced by serine, an amino acid with highly dissimilar properties. This amino acid position is conserved. In addition, this alteration is predicted to be tolerated by in silico analysis. Based on the available evidence, the clinical significance of this variant remains unclear.

NM_006118.4(HAX1):c.827T>C (p.Phe276Ser)

Gene: HAX1 (HCLS1 associated protein X-1; plus strand). Cytogenetic location: 1q21.3.
Variant type: single nucleotide variant.
Coding change: c.827T>C on transcript NM_006118.4 (MANE Select); coding-DNA position 827, T replaced by C.
Protein change: p.Phe276Ser; replaces phenylalanine 276 with serine.
Molecular consequence: missense variant.
Genome position (GRCh38, 1-based): chr1:154,275,688, T>C. VCF-style: chr1-154275688-T-C. GRCh37 (hg19) VCF-style: chr1-154248164-T-C.
Other names: c.683T>C, p.Phe228Ser (NM_001018837.2); short protein forms F228S, F276S.
Identifiers: ClinVar variation 4269042 (VCV004269042.1).